The following is an entry in ClinVar:

NM_013444.4(UBQLN2):c.202C>G (p.Gln68Glu)

Gene: UBQLN2 (ubiquilin 2; plus strand). Cytogenetic location: Xp11.21.
Variant type: single nucleotide variant.
Coding change: c.202C>G on transcript NM_013444.4 (MANE Select); coding-DNA position 202, C replaced by G.
Protein change: p.Gln68Glu; replaces glutamine 68 with glutamic acid.
Molecular consequence: missense variant.
Genome position (GRCh38, 1-based): chrX:56,564,075, C>G. VCF-style: chrX-56564075-C-G. GRCh37 (hg19) VCF-style: chrX-56590508-C-G.
Other names: short protein forms Q68E.
Identifiers: ClinVar variation 3347732 (VCV003347732.1).

ClinVar aggregate classification (germline): Uncertain significance (0 of 4 stars; one submission).

Conditions:
UBQLN2-related disorder. Also called: UBQLN2-related condition.

Submission:

PreventionGenetics, part of Exact Sciences
Classification: Uncertain significance for UBQLN2-related condition. Last evaluated: 2024-07-04. Review status: no assertion criteria provided. Collection method: clinical testing. Allele origin: germline.
Comment: The UBQLN2 c.202C>G variant is predicted to result in the amino acid substitution p.Gln68Glu. To our knowledge, this variant has not been reported in the literature or in a large population database, indicating this variant is rare. At this time, the clinical significance of this variant is uncertain due to the absence of conclusive functional and genetic evidence.